The following is an entry in ClinVar:

NM_000416.3(IFNGR1):c.74G>T (p.Gly25Val)

Gene: IFNGR1 (interferon gamma receptor 1; minus strand). Cytogenetic location: 6q23.3.
Variant type: single nucleotide variant.
Coding change: c.74G>T on transcript NM_000416.3 (MANE Select); coding-DNA position 74, G replaced by T.
Protein change: p.Gly25Val; replaces glycine 25 with valine.
Molecular consequence: missense variant.
Genome position (GRCh38, 1-based): chr6:137,219,254, C>A on the plus strand (G>T on the coding strand, the complement: IFNGR1 is on the minus strand). VCF-style: chr6-137219254-C-A. GRCh37 (hg19) VCF-style: chr6-137540391-C-A.
Other names: short protein forms G25V.
Identifiers: ClinVar variation 2887613 (VCV002887613.3), dbSNP rs1405796456, ClinGen allele CA365776401.

ClinVar aggregate classification (germline): Uncertain significance (1 of 4 stars; one submission).

Conditions:
Disseminated atypical mycobacterial infection. Identifiers: MedGen C0694566.

Allele frequency attached by ClinVar (database versions not stated): gnomAD exomes below 0.00001.
gnomAD v4.1: 4 of 1,610,762 alleles (0.00025%); highest among the groups gnomAD compares: Non-Finnish European, 0.00034%; no homozygotes.

Submission:

Labcorp Genetics (formerly Invitae), Labcorp
Classification: Uncertain significance for Disseminated atypical mycobacterial infection. Last evaluated: 2023-02-09. Review status: criteria provided, single submitter. Criteria: Invitae Variant Classification Sherloc (09022015). Collection method: clinical testing. Allele origin: germline.
Comment: In summary, the available evidence is currently insufficient to determine the role of this variant in disease. Therefore, it has been classified as a Variant of Uncertain Significance. Advanced modeling of protein sequence and biophysical properties (such as structural, functional, and spatial information, amino acid conservation, physicochemical variation, residue mobility, and thermodynamic stability) performed at Invitae indicates that this missense variant is not expected to disrupt IFNGR1 protein function. This variant has not been reported in the literature in individuals affected with IFNGR1-related conditions. The frequency data for this variant in the population databases is considered unreliable, as metrics indicate poor data quality at this position in the gnomAD database. This sequence change replaces glycine, which is neutral and non-polar, with valine, which is neutral and non-polar, at codon 25 of the IFNGR1 protein (p.Gly25Val).